The following is an entry in ClinVar:

NM_001005361.3(DNM2):c.1423-9C>G

Gene: DNM2 (dynamin 2; plus strand). Cytogenetic location: 19p13.2.
Variant type: single nucleotide variant.
Coding change: c.1423-9C>G on transcript NM_001005361.3 (MANE Select); 9 bases into the intron before coding-DNA position 1423, C replaced by G.
Molecular consequence: intron variant.
Genome position (GRCh38, 1-based): chr19:10,802,279, C>G. VCF-style: chr19-10802279-C-G. GRCh37 (hg19) VCF-style: chr19-10912955-C-G.
Other names: c.1423-9C>G (NM_001005360.3, NM_001190716.2, NM_004945.4 and 1 more transcripts).
Identifiers: ClinVar variation 246446 (VCV000246446.16), dbSNP rs371006369, ClinGen allele CA10584606.

ClinVar aggregate classification (germline): Conflicting classifications of pathogenicity. Review status: criteria provided, conflicting classifications (1 of 4 stars). 5 submissions from 4 submitters: Uncertain significance (3); Likely benign (2). Last evaluated 2026-06-23.

Conditions:
Charcot-Marie-Tooth disease dominant intermediate B (CMTDIB). Also called: Charcot-Marie-Tooth disease dominant intermediate 1; CMT DI1; Charcot-Marie-Tooth disease dominant intermediate I; CHARCOT-MARIE-TOOTH NEUROPATHY, DOMINANT INTERMEDIATE B. Identifiers: Orphanet 100044, Orphanet 228179, MedGen C1847902, MONDO:0011674, OMIM 606482.
Autosomal dominant centronuclear myopathy. Also called: MYOTUBULAR MYOPATHY, AUTOSOMAL DOMINANT; Myopathy, centronuclear, 3. Identifiers: Orphanet 169189, MedGen C4551952, MeSH D020914, MONDO:0008048, OMIM 160150.

Allele frequency attached by ClinVar (database versions not stated): ESP Exome Variant Server 0.00008; gnomAD exomes 0.00001; gnomAD 0.00003; TOPMed 0.00002.
gnomAD v4.1: 27 of 1,614,020 alleles (0.0017%); highest among the groups gnomAD compares: Middle Eastern, 0.033%; no homozygotes.

Submissions (5):

Women's Health and Genetics/Laboratory Corporation of America, LabCorp
Classification: Likely benign. Last evaluated: 2026-06-23. Review status: criteria provided, single submitter. Criteria: LabCorp Variant Classification Summary - May 2015. Collection method: clinical testing. Allele origin: germline.

Labcorp Genetics (formerly Invitae), Labcorp
Classification: Likely benign for Charcot-Marie-Tooth disease dominant intermediate B. Last evaluated: 2025-12-01. Review status: criteria provided, single submitter. Criteria: Invitae Variant Classification Sherloc (09022015). Collection method: clinical testing. Allele origin: germline.

Illumina Laboratory Services, Illumina
Classification: Uncertain significance for Autosomal dominant centronuclear myopathy. Last evaluated: 2018-01-13. Review status: criteria provided, single submitter. Criteria: ICSL Variant Classification Criteria 13 December 2019. Collection method: clinical testing. Allele origin: germline.

Illumina Laboratory Services, Illumina
Classification: Uncertain significance for Charcot-Marie-Tooth disease dominant intermediate B. Last evaluated: 2018-01-13. Review status: criteria provided, single submitter. Criteria: ICSL Variant Classification Criteria 13 December 2019. Collection method: clinical testing. Allele origin: germline.

GeneDx
Classification: Uncertain significance. Last evaluated: 2017-04-20. Review status: criteria provided, single submitter. Criteria: GeneDx Variant Classification (06012015). Collection method: clinical testing. Allele origin: germline. Affected: yes.
Comment: The c.1423-9 C>G variant has not been published as a pathogenic variant, nor has it been reported as a benign variant to our knowledge. The c.1423-9 C>G variant was not observed at any significant frequency in approximately 6,500 individuals of European and African American ancestry in the NHLBI Exome Sequencing Project, indicating it is not a common benign variant in these populations. Several in-silico splice prediction models predict that c.1423-9 C>G damages the natural splice acceptor site in intron 11 which may lead to abnormal gene splicing. However, in the absence of RNA/functional studies, the actual effect of this sequence change in this individual is unknown. Therefore, based on the currently available information, it is unclear whether this variant is a pathogenic variant or a rare benign variant